The following is an entry in ClinVar:

ClinVar aggregate classification (germline): Uncertain significance. Review status: criteria provided, multiple submitters, no conflicts (2 of 4 stars). 2 submissions from 2 submitters: Uncertain significance (2). Last evaluated 2026-04-30.

Conditions:
Inborn genetic diseases. Identifiers: MedGen C0950123, MeSH D030342.
PKD1-related disorder. Also called: PKD1-related condition.

Allele frequency attached by ClinVar (database versions not stated): gnomAD 0.00001; TOPMed 0.00001; ExAC 0.00010.
gnomAD v4.1: 6 of 1,482,482 alleles (0.0004%); highest among the groups gnomAD compares: East Asian, 0.0029%; no homozygotes.

Submissions (2):

PreventionGenetics, part of Exact Sciences
Classification: Uncertain significance for PKD1-related condition. Last evaluated: 2026-04-30. Review status: criteria provided, single submitter. Criteria: ACMG Guidelines, 2015. Collection method: clinical testing. Allele origin: germline.
Comment: The PKD1 c.11750C>T variant is predicted to result in the amino acid substitution p.Ala3917Val. To our knowledge, this variant has not been reported in the literature. This variant is reported in 0.0055% of alleles in individuals of Latino descent in gnomAD. At this time, the clinical significance of this variant is uncertain due to the absence of conclusive functional and genetic evidence.

Ambry Genetics
Classification: Uncertain significance for Inborn genetic diseases. Last evaluated: 2024-01-23. Review status: criteria provided, single submitter. Criteria: Ambry Variant Classification Scheme 2023. Collection method: clinical testing. Allele origin: germline.

NM_001009944.3(PKD1):c.11750C>T (p.Ala3917Val)

Gene: PKD1 (polycystin 1, transient receptor potential channel interacting; minus strand). Cytogenetic location: 16p13.3.
Variant type: single nucleotide variant.
Coding change: c.11750C>T on transcript NM_001009944.3 (MANE Select); coding-DNA position 11750, C replaced by T.
Protein change: p.Ala3917Val; replaces alanine 3917 with valine.
Molecular consequence: missense variant.
Genome position (GRCh38, 1-based): chr16:2,091,137, G>A on the plus strand (C>T on the coding strand, the complement: PKD1 is on the minus strand). VCF-style: chr16-2091137-G-A. GRCh37 (hg19) VCF-style: chr16-2141138-G-A.
Other names: c.11747C>T, p.Ala3916Val (NM_000296.4); short protein forms A3916V, A3917V.
Identifiers: ClinVar variation 3213432 (VCV003213432.2), dbSNP rs780212070, ClinGen allele CA7828968.